The following is an entry in ClinVar:

NM_030761.5(WNT4):c.910G>A (p.Asp304Asn)

Gene: WNT4 (Wnt family member 4; minus strand). Cytogenetic location: 1p36.12.
Variant type: single nucleotide variant.
Coding change: c.910G>A on transcript NM_030761.5 (MANE Select); coding-DNA position 910, G replaced by A.
Protein change: p.Asp304Asn; replaces aspartic acid 304 with asparagine.
Molecular consequence: missense variant.
Genome position (GRCh38, 1-based): chr1:22,120,196, C>T on the plus strand (G>A on the coding strand, the complement: WNT4 is on the minus strand). VCF-style: chr1-22120196-C-T. GRCh37 (hg19) VCF-style: chr1-22446689-C-T.
Other names: c.910G>A (NM_030761.4); short protein forms D304N.
Identifiers: ClinVar variation 1355718 (VCV001355718.7), dbSNP rs780347824, ClinGen allele CA675249.
Genomic context (GRCh38, chr1:22,120,196, plus strand): 5'-CAGCCAGCTCCACCTGCGCCGTGTGGAAGCCGCGGCCACAGCACAGCAGCTCACAGCCGT[C>T]GATGGCCTTGGACGTCTTGTTGCATGTGCGGCCCCTCGTGCCCAGCACGCCGCTGCGCAT-3'
Protein context (NP_110388.2, residues 294-314): RTCNKTSKAI[Asp304Asn]GCELLCCGRG

ClinVar aggregate classification (germline): Uncertain significance. Review status: criteria provided, multiple submitters, no conflicts (2 of 4 stars). 2 submissions from 2 submitters: Uncertain significance (2). Last evaluated 2025-03-07.

Conditions:
Inborn genetic diseases. Identifiers: MedGen C0950123, MeSH D030342.

Allele frequency attached by ClinVar (database versions not stated): gnomAD exomes 0.00003 and 0.00002; gnomAD 0.00004; TOPMed 0.00011; ExAC 0.00002.
gnomAD v4.1: 30 of 1,613,764 alleles (0.0019%); highest among the groups gnomAD compares: Admixed American, 0.027%; no homozygotes.

Submissions (2):

Labcorp Genetics (formerly Invitae), Labcorp
Classification: Uncertain significance. Last evaluated: 2025-03-07. Review status: criteria provided, single submitter. Criteria: Invitae Variant Classification Sherloc (09022015). Collection method: clinical testing. Allele origin: germline.
Comment: This sequence change replaces aspartic acid, which is acidic and polar, with asparagine, which is neutral and polar, at codon 304 of the WNT4 protein (p.Asp304Asn). This variant is present in population databases (rs780347824, gnomAD 0.02%). This variant has not been reported in the literature in individuals affected with WNT4-related conditions. ClinVar contains an entry for this variant (Variation ID: 1355718). Invitae Evidence Modeling of protein sequence and biophysical properties (such as structural, functional, and spatial information, amino acid conservation, physicochemical variation, residue mobility, and thermodynamic stability) has been performed for this missense variant. However, the output from this modeling did not meet the statistical confidence thresholds required to predict the impact of this variant on WNT4 protein function. In summary, the available evidence is currently insufficient to determine the role of this variant in disease. Therefore, it has been classified as a Variant of Uncertain Significance.

Ambry Genetics
Classification: Uncertain significance for Inborn genetic diseases. Last evaluated: 2025-03-05. Review status: criteria provided, single submitter. Criteria: Ambry Variant Classification Scheme 2023. Collection method: clinical testing. Allele origin: germline.